The following is an entry in ClinVar:

NM_001854.4(COL11A1):c.1859C>T (p.Pro620Leu)

Gene: COL11A1 (collagen type XI alpha 1 chain; minus strand). Cytogenetic location: 1p21.1.
Variant type: single nucleotide variant.
Coding change: c.1859C>T on transcript NM_001854.4 (MANE Select); coding-DNA position 1859, C replaced by T.
Protein change: p.Pro620Leu; replaces proline 620 with leucine.
Molecular consequence: missense variant. On other transcripts: non-coding transcript variant (1).
Genome position (GRCh38, 1-based): chr1:103,004,648, G>A on the plus strand (C>T on the coding strand, the complement: COL11A1 is on the minus strand). VCF-style: chr1-103004648-G-A. GRCh37 (hg19) VCF-style: chr1-103470204-G-A.
Other names: c.1742C>T, p.Pro581Leu (NM_001190709.2); c.1895C>T, p.Pro632Leu (NM_080629.3); c.1511C>T, p.Pro504Leu (NM_080630.4); short protein forms P504L, P581L, P620L, P632L.
Identifiers: ClinVar variation 1191959 (VCV001191959.11), dbSNP rs777479105, ClinGen allele CA974773.

ClinVar aggregate classification (germline): Conflicting classifications of pathogenicity. Review status: criteria provided, conflicting classifications (1 of 4 stars). 2 submissions from 2 submitters: Uncertain significance (1); Benign (1). Last evaluated 2024-12-09.

Allele frequency attached by ClinVar (database versions not stated): gnomAD exomes below 0.00001 and 0.00001; ExAC 0.00002.
gnomAD v4.1: 3 of 1,610,798 alleles (0.00019%); highest among the groups gnomAD compares: East Asian, 0.0067%; no homozygotes.

Submissions (2):

GeneDx
Classification: Uncertain significance. Last evaluated: 2024-12-09. Review status: criteria provided, single submitter. Criteria: GeneDx Variant Classification Process June 2021. Collection method: clinical testing. Allele origin: germline. Affected: yes.
Comment: In silico analysis supports that this missense variant has a deleterious effect on protein structure/function; Not observed at significant frequency in large population cohorts (gnomAD); This variant is associated with the following publications: (PMID: 32756486)

Labcorp Genetics (formerly Invitae), Labcorp
Classification: Benign. Last evaluated: 2022-11-15. Review status: criteria provided, single submitter. Criteria: Invitae Variant Classification Sherloc (09022015). Collection method: clinical testing. Allele origin: germline.